The following is an entry in ClinVar:

NM_001370259.2(MEN1):c.595C>T (p.His199Tyr)

Gene: MEN1 (menin 1; minus strand). Cytogenetic location: 11q13.1.
Variant type: single nucleotide variant.
Coding change: c.595C>T on transcript NM_001370259.2 (MANE Select); coding-DNA position 595, C replaced by T.
Protein change: p.His199Tyr; replaces histidine 199 with tyrosine.
Molecular consequence: missense variant. On other transcripts: non-coding transcript variant (4), intron variant (5).
Genome position (GRCh38, 1-based): chr11:64,807,950, G>A on the plus strand (C>T on the coding strand, the complement: MEN1 is on the minus strand). VCF-style: chr11-64807950-G-A. GRCh37 (hg19) VCF-style: chr11-64575422-G-A.
Other names: c.610C>T, p.His204Tyr (NM_130801.3, NM_130802.3, NM_130803.3 and 5 more transcripts); c.549+46C>T (NM_001407148.1, NM_001407149.1, NM_001407151.1 and 2 more transcripts); c.595C>T, p.His199Tyr (NM_001370251.2, NM_001370260.2, NM_001370261.2 and 7 more transcripts); short protein forms H204Y, H199Y.
Identifiers: ClinVar variation 3634207 (VCV003634207.3).

ClinVar aggregate classification (germline): Uncertain significance (1 of 4 stars; one submission).

Conditions:
Multiple endocrine neoplasia, type 1 (MEN1). Also called: MEA I; MEN I; WERMER SYNDROME; Endocrine adenomatosis multiple; MEN 1. Identifiers: Orphanet 652, MedGen C0025267, MeSH D018761, MONDO:0007540, OMIM 131100.

Submissions (2):

Labcorp Genetics (formerly Invitae), Labcorp
Classification: Uncertain significance for Multiple endocrine neoplasia, type 1. Last evaluated: 2024-11-15. Review status: criteria provided, single submitter. Criteria: Invitae Variant Classification Sherloc (09022015). Collection method: clinical testing. Allele origin: germline.
Comment: This sequence change replaces histidine, which is basic and polar, with tyrosine, which is neutral and polar, at codon 199 of the MEN1 protein (p.His199Tyr). This variant is not present in population databases (gnomAD no frequency). This variant has not been reported in the literature in individuals affected with MEN1-related conditions. Invitae Evidence Modeling of protein sequence and biophysical properties (such as structural, functional, and spatial information, amino acid conservation, physicochemical variation, residue mobility, and thermodynamic stability) indicates that this missense variant is expected to disrupt MEN1 protein function with a positive predictive value of 95%. In summary, the available evidence is currently insufficient to determine the role of this variant in disease. Therefore, it has been classified as a Variant of Uncertain Significance.

Dr. Peter K. Rogan Lab, Western University
No classification provided (evidence only). Condition: Familial prostate cancer. Review status: no classification provided. Collection method: in vitro. Allele origin: not applicable. Functional consequence: retained intron. Not counted in ClinVar's aggregate classification.